The following is an entry in ClinVar:

ClinVar aggregate classification (germline): Uncertain significance. Review status: criteria provided, multiple submitters, no conflicts (2 of 4 stars). 4 submissions from 4 submitters: Uncertain significance (4). Last evaluated 2025-12-10.

Conditions:
PLEC-related disorder. Also called: PLEC-related disorders; PLEC-related condition.
Autosomal recessive limb-girdle muscular dystrophy type 2Q (LGMDR17). Also called: MUSCULAR DYSTROPHY, LIMB-GIRDLE, AUTOSOMAL RECESSIVE 17. Identifiers: Orphanet 254361, MedGen C3150989, MONDO:0013390, OMIM 613723.
Epidermolysis bullosa simplex with nail dystrophy (EBS5D). Identifiers: MedGen C4225309, MONDO:0014661, OMIM 616487.
Epidermolysis bullosa simplex 5C, with pyloric atresia (EBS5C). Also called: PLEC-Related Epidermolysis Bullosa with Pyloric Atresia; Epidermolysis bullosa simplex with pyloric atresia; PLEC1-Related Epidermolysis Bullosa with Pyloric Atresia. Identifiers: Orphanet 158684, MedGen C2677349, MONDO:0012807, OMIM 612138.
Epidermolysis bullosa simplex, Ogna type (EBS5A). Also called: Pidermolysis bullosa simplex 5A, Ogna type; EPIDERMOLYSIS BULLOSA SIMPLEX 5A, OGNA TYPE. Identifiers: Orphanet 79401, MedGen C0432317, MONDO:0007555, OMIM 131950.
Epidermolysis bullosa simplex 5B, with muscular dystrophy (EBS5B). Also called: EPIDERMOLYSIS BULLOSA SIMPLEX AND LIMB-GIRDLE MUSCULAR DYSTROPHY; Epidermolysis bullosa simplex with muscular dystrophy. Identifiers: Orphanet 257, MedGen C2931072, MONDO:0009181, OMIM 226670.
Inborn genetic diseases. Identifiers: MedGen C0950123, MeSH D030342.

Allele frequency attached by ClinVar (database versions not stated): gnomAD 0.00001; ExAC 0.00004; TOPMed 0.00004; gnomAD exomes 0.00006.
gnomAD v4.1: 18 of 1,613,454 alleles (0.0011%); highest among the groups gnomAD compares: Admixed American, 0.027%; no homozygotes.

Submissions (4):

PreventionGenetics, part of Exact Sciences
Classification: Uncertain significance for PLEC-related condition. Last evaluated: 2025-12-10. Review status: criteria provided, single submitter. Criteria: ACMG Guidelines, 2015. Collection method: clinical testing. Allele origin: germline.
Comment: The PLEC c.4051A>C variant is predicted to result in the amino acid substitution p.Ser1351Arg. To our knowledge, this variant has not been reported in the literature. This variant is reported in 0.043% of alleles in individuals of Latino descent in gnomAD. At this time, the clinical significance of this variant is uncertain due to the absence of conclusive functional and genetic evidence.

Labcorp Genetics (formerly Invitae), Labcorp
Classification: Uncertain significance for Autosomal recessive limb-girdle muscular dystrophy type 2Q; Epidermolysis bullosa simplex, Ogna type; Epidermolysis bullosa simplex with nail dystrophy; Epidermolysis bullosa simplex 5C, with pyloric atresia; Epidermolysis bullosa simplex 5B, with muscular dystrophy. Last evaluated: 2025-08-18. Review status: criteria provided, single submitter. Criteria: Invitae Variant Classification Sherloc (09022015). Collection method: clinical testing. Allele origin: germline.
Comment: This sequence change replaces serine, which is neutral and polar, with arginine, which is basic and polar, at codon 1351 of the PLEC protein (p.Ser1351Arg). This variant is present in population databases (rs782377096, gnomAD 0.04%). This variant has not been reported in the literature in individuals affected with PLEC-related conditions. ClinVar contains an entry for this variant (Variation ID: 448066). Invitae Evidence Modeling of protein sequence and biophysical properties (such as structural, functional, and spatial information, amino acid conservation, physicochemical variation, residue mobility, and thermodynamic stability) has been performed for this missense variant. However, the output from this modeling did not meet the statistical confidence thresholds required to predict the impact of this variant on PLEC protein function. In summary, the available evidence is currently insufficient to determine the role of this variant in disease. Therefore, it has been classified as a Variant of Uncertain Significance.

Ambry Genetics
Classification: Uncertain significance for Inborn genetic diseases. Last evaluated: 2025-06-23. Review status: criteria provided, single submitter. Criteria: Ambry Variant Classification Scheme 2023. Collection method: clinical testing. Allele origin: germline.

Athena Diagnostics
Classification: Uncertain significance. Last evaluated: 2017-07-31. Review status: criteria provided, single submitter. Criteria: Athena Diagnostics Criteria. Collection method: clinical testing. Allele origin: germline.

NM_201384.3(PLEC):c.3970A>C (p.Ser1324Arg)

Gene: PLEC (plectin; minus strand). Cytogenetic location: 8q24.3.
Variant type: single nucleotide variant.
Coding change: c.3970A>C on transcript NM_201384.3 (MANE Select); coding-DNA position 3970, A replaced by C.
Protein change: p.Ser1324Arg; replaces serine 1324 with arginine.
Molecular consequence: missense variant.
Genome position (GRCh38, 1-based): chr8:143,926,858, T>G on the plus strand (A>C on the coding strand, the complement: PLEC is on the minus strand). VCF-style: chr8-143926858-T-G. GRCh37 (hg19) VCF-style: chr8-145001026-T-G.
Other names: c.4051A>C, p.Ser1351Arg (NM_000445.5); c.3928A>C, p.Ser1310Arg (NM_201378.4); c.3904A>C, p.Ser1302Arg (NM_201379.3); c.4381A>C, p.Ser1461Arg (NM_201380.4); c.3874A>C, p.Ser1292Arg (NM_201381.3); c.3970A>C, p.Ser1324Arg (NM_201382.4); c.3982A>C, p.Ser1328Arg (NM_201383.3); short protein forms S1292R, S1302R, S1310R, S1324R, S1328R, S1351R, S1461R.
Identifiers: ClinVar variation 448066 (VCV000448066.12), dbSNP rs782377096, ClinGen allele CA4926823.